The following is an entry in ClinVar:

ClinVar aggregate classification (germline): Likely benign (0 of 4 stars; one submission).

Conditions:
DLG5-related disorder. Also called: DLG5-related condition.

Allele frequency attached by ClinVar (database versions not stated): ESP Exome Variant Server 0.00008; TOPMed 0.00011; gnomAD 0.00014; gnomAD exomes 0.00023; ExAC 0.00029; 1000 Genomes Project 30x 0.00047; 1000 Genomes Project 0.00060.
gnomAD v4.1: 353 of 1,613,142 alleles (0.022%); highest among the groups gnomAD compares: East Asian, 0.44%; 2 homozygotes.

Submission:

PreventionGenetics, part of Exact Sciences
Classification: Likely benign for DLG5-related condition. Last evaluated: 2023-05-16. Review status: no assertion criteria provided. Collection method: clinical testing. Allele origin: germline.
Comment: This variant is classified as likely benign based on ACMG/AMP sequence variant interpretation guidelines (Richards et al. 2015 PMID: 25741868, with internal and published modifications).

NM_004747.4(DLG5):c.2669G>A (p.Arg890His)

Gene: DLG5 (discs large MAGUK scaffold protein 5; minus strand). Cytogenetic location: 10q22.3.
Variant type: single nucleotide variant.
Coding change: c.2669G>A on transcript NM_004747.4 (MANE Select); coding-DNA position 2669, G replaced by A.
Protein change: p.Arg890His; replaces arginine 890 with histidine.
Molecular consequence: missense variant.
Genome position (GRCh38, 1-based): chr10:77,821,815, C>T on the plus strand (G>A on the coding strand, the complement: DLG5 is on the minus strand). VCF-style: chr10-77821815-C-T. GRCh37 (hg19) VCF-style: chr10-79581573-C-T.
Other names: short protein forms R890H.
Identifiers: ClinVar variation 3047252 (VCV003047252.2), dbSNP rs186397140, ClinGen allele CA5569788.